The following is an entry in ClinVar:

NM_020717.5(SHROOM4):c.763T>G (p.Ser255Ala)

Gene: SHROOM4 (shroom family member 4; minus strand). Cytogenetic location: Xp11.22.
Variant type: single nucleotide variant.
Coding change: c.763T>G on transcript NM_020717.5 (MANE Select); coding-DNA position 763, T replaced by G.
Protein change: p.Ser255Ala; replaces serine 255 with alanine.
Molecular consequence: missense variant. On other transcripts: non-coding transcript variant (4).
Genome position (GRCh38, 1-based): chrX:50,635,310, A>C on the plus strand (T>G on the coding strand, the complement: SHROOM4 is on the minus strand). VCF-style: chrX-50635310-A-C. GRCh37 (hg19) VCF-style: chrX-50378310-A-C.
Other names: short protein forms S255A.
Identifiers: ClinVar variation 3027179 (VCV003027179.22), dbSNP rs2519344745, ClinGen allele CA413125309.

ClinVar aggregate classification (germline): Uncertain significance (1 of 4 stars; one submission).

Allele frequency attached by ClinVar (database versions not stated): gnomAD exomes below 0.00001.
gnomAD v4.1: 4 of 1,201,882 alleles (0.00033%); highest among the groups gnomAD compares: Non-Finnish European, 0.00034%; no homozygotes.

Submission:

CeGaT Center for Human Genetics Tuebingen
Classification: Uncertain significance. Last evaluated: 2024-02-01. Review status: criteria provided, single submitter. Criteria: CeGaT Center For Human Genetics Tuebingen Variant Classification Criteria Version 2. Collection method: clinical testing. Allele origin: germline. Affected: yes. Observed: 1 variant allele.
Comment: SHROOM4: PM2, BP4